The following is an entry in ClinVar:

ClinVar aggregate classification (germline): Uncertain significance (1 of 4 stars; one submission).

gnomAD v4.1: 3 of 1,607,616 alleles (0.00019%); highest among the groups gnomAD compares: Non-Finnish European, 0.000085%; no homozygotes.

Submission:

Labcorp Genetics (formerly Invitae), Labcorp
Classification: Uncertain significance. Last evaluated: 2024-10-21. Review status: criteria provided, single submitter. Criteria: Invitae Variant Classification Sherloc (09022015). Collection method: clinical testing. Allele origin: germline.
Comment: This sequence change replaces proline, which is neutral and non-polar, with arginine, which is basic and polar, at codon 2292 of the COL7A1 protein (p.Pro2292Arg). This variant is present in population databases (no rsID available, gnomAD 0.001%). This variant has not been reported in the literature in individuals affected with COL7A1-related conditions. Invitae Evidence Modeling of protein sequence and biophysical properties (such as structural, functional, and spatial information, amino acid conservation, physicochemical variation, residue mobility, and thermodynamic stability) indicates that this missense variant is not expected to disrupt COL7A1 protein function with a negative predictive value of 95%. In summary, the available evidence is currently insufficient to determine the role of this variant in disease. Therefore, it has been classified as a Variant of Uncertain Significance.

NM_000094.4(COL7A1):c.6875C>G (p.Pro2292Arg)

Gene: COL7A1 (collagen type VII alpha 1 chain; minus strand). Cytogenetic location: 3p21.31.
Variant type: single nucleotide variant.
Coding change: c.6875C>G on transcript NM_000094.4 (MANE Select); coding-DNA position 6875, C replaced by G.
Protein change: p.Pro2292Arg; replaces proline 2292 with arginine.
Molecular consequence: missense variant.
Genome position (GRCh38, 1-based): chr3:48,572,696, G>C on the plus strand (C>G on the coding strand, the complement: COL7A1 is on the minus strand). VCF-style: chr3-48572696-G-C. GRCh37 (hg19) VCF-style: chr3-48610129-G-C.
Other names: short protein forms P2292R.
Identifiers: ClinVar variation 3714909 (VCV003714909.2).